The following is an entry in ClinVar:

ClinVar aggregate classification (germline): Uncertain significance (1 of 4 stars; one submission).

Allele frequency attached by ClinVar (database versions not stated): gnomAD exomes below 0.00001; gnomAD 0.00001; TOPMed 0.00001.
gnomAD v4.1: 2 of 1,614,064 alleles (0.00012%); highest among the groups gnomAD compares: Admixed American, 0.0017%; no homozygotes.

Submission:

Labcorp Genetics (formerly Invitae), Labcorp
Classification: Uncertain significance. Last evaluated: 2024-10-22. Review status: criteria provided, single submitter. Criteria: Invitae Variant Classification Sherloc (09022015). Collection method: clinical testing. Allele origin: germline.
Comment: This sequence change replaces asparagine, which is neutral and polar, with serine, which is neutral and polar, at codon 449 of the CARD8 protein (p.Asn449Ser). This variant is not present in population databases (gnomAD no frequency). This variant has not been reported in the literature in individuals affected with CARD8-related conditions. ClinVar contains an entry for this variant (Variation ID: 2419531). An algorithm developed to predict the effect of missense changes on protein structure and function (PolyPhen-2) suggests that this variant is likely to be tolerated. In summary, the available evidence is currently insufficient to determine the role of this variant in disease. Therefore, it has been classified as a Variant of Uncertain Significance.

NM_001184900.3(CARD8):c.1496A>G (p.Asn499Ser)

Gene: CARD8 (caspase recruitment domain family member 8; minus strand). Cytogenetic location: 19q13.33.
Variant type: single nucleotide variant.
Coding change: c.1496A>G on transcript NM_001184900.3 (MANE Select); coding-DNA position 1496, A replaced by G.
Protein change: p.Asn499Ser; replaces asparagine 499 with serine.
Molecular consequence: missense variant. On other transcripts: 3 prime UTR variant (7), non-coding transcript variant (3), intron variant (1).
Genome position (GRCh38, 1-based): chr19:48,211,828, T>C on the plus strand (A>G on the coding strand, the complement: CARD8 is on the minus strand). VCF-style: chr19-48211828-T-C. GRCh37 (hg19) VCF-style: chr19-48715085-T-C.
Other names: c.1346A>G, p.Asn449Ser (NM_001184901.1, NM_001351783.2, NM_014959.5); c.*175A>G (NM_001184902.2, NM_001184903.1, NM_001351788.2 and 4 more transcripts); c.1496A>G, p.Asn499Ser (NM_001351782.2); c.1181A>G, p.Asn394Ser (NM_001351784.2); c.1160A>G, p.Asn387Ser (NM_001351786.2); c.1178A>G, p.Asn393Ser (NM_001365950.1); c.1033+3512A>G (NM_001351787.2); short protein forms N387S, N393S, N394S, N449S, N499S.
Identifiers: ClinVar variation 2419531 (VCV002419531.6), dbSNP rs2038026621, ClinGen allele CA406663154.